The following is an entry in ClinVar:

NM_004789.4(LHX2):c.97A>G (p.Ile33Val)

Gene: LHX2 (LIM homeobox 2; plus strand). Cytogenetic location: 9q33.3.
Variant type: single nucleotide variant.
Coding change: c.97A>G on transcript NM_004789.4 (MANE Select); coding-DNA position 97, A replaced by G.
Protein change: p.Ile33Val; replaces isoleucine 33 with valine.
Molecular consequence: missense variant.
Genome position (GRCh38, 1-based): chr9:124,012,445, A>G. VCF-style: chr9-124012445-A-G. GRCh37 (hg19) VCF-style: chr9-126774724-A-G.
Other names: short protein forms I33V.
Identifiers: ClinVar variation 5009843 (VCV005009843.1).
Genomic context (GRCh38, chr9:124,012,445, plus strand): 5'-GGGGTCATCGACGAGATGGACCGCAGGGCCAAGAGCGAGGCTCCCGCCATCAGCTCCGCC[A>G]TCGACCGCGGCGACACCGAGACGGTAGGCGCGCGGCTGTGGGGTCGGGGCTGAGAGCTGG-3'
Protein context (NP_004780.3, residues 23-43): KSEAPAISSA[Ile33Val]DRGDTETTMP

ClinVar aggregate classification (germline): Uncertain significance (1 of 4 stars; one submission).

gnomAD v4.1: 1 of 1,543,582 alleles (0.000065%); highest among the groups gnomAD compares: Non-Finnish European, 0.000087%; no homozygotes.

Submission:

GeneDx
Classification: Uncertain significance. Last evaluated: 2026-02-19. Review status: criteria provided, single submitter. Criteria: GeneDx Variant Classification Process June 2021. Collection method: clinical testing. Allele origin: germline.
Comment: Not observed at significant frequency in large population cohorts (gnomAD); In silico analysis suggests that this missense variant does not alter protein structure/function; Has not been previously published as pathogenic or benign to our knowledge